The following is an entry in ClinVar:

NM_015466.4(PTPN23):c.4097A>T (p.Asn1366Ile)

Gene: PTPN23 (protein tyrosine phosphatase non-receptor type 23; plus strand). Cytogenetic location: 3p21.31.
Variant type: single nucleotide variant.
Coding change: c.4097A>T on transcript NM_015466.4 (MANE Select); coding-DNA position 4097, A replaced by T.
Protein change: p.Asn1366Ile; replaces asparagine 1366 with isoleucine.
Molecular consequence: missense variant.
Genome position (GRCh38, 1-based): chr3:47,412,117, A>T. VCF-style: chr3-47412117-A-T. GRCh37 (hg19) VCF-style: chr3-47453607-A-T.
Other names: c.4097A>T (NM_015466.2); c.3719A>T, p.Asn1240Ile (NM_001304482.2); short protein forms N1240I, N1366I.
Identifiers: ClinVar variation 1427323 (VCV001427323.9), dbSNP rs369616852, ClinGen allele CA2366463.

ClinVar aggregate classification (germline): Uncertain significance. Review status: criteria provided, multiple submitters, no conflicts (2 of 4 stars). 2 submissions from 2 submitters: Uncertain significance (2). Last evaluated 2024-04-06.

Conditions:
Inborn genetic diseases. Identifiers: MedGen C0950123, MeSH D030342.

Allele frequency attached by ClinVar (database versions not stated): gnomAD exomes 0.00001 and 0.00002; TOPMed 0.00001; ExAC 0.00002; ESP Exome Variant Server 0.00008.
gnomAD v4.1: 36 of 1,613,088 alleles (0.0022%); highest among the groups gnomAD compares: Non-Finnish European, 0.0029%; no homozygotes.

Submissions (2):

Ambry Genetics
Classification: Uncertain significance for Inborn genetic diseases. Last evaluated: 2024-04-06. Review status: criteria provided, single submitter. Criteria: Ambry Variant Classification Scheme 2023. Collection method: clinical testing. Allele origin: germline.

Labcorp Genetics (formerly Invitae), Labcorp
Classification: Uncertain significance. Last evaluated: 2022-01-01. Review status: criteria provided, single submitter. Criteria: Invitae Variant Classification Sherloc (09022015). Collection method: clinical testing. Allele origin: germline.
Comment: Algorithms developed to predict the effect of missense changes on protein structure and function are either unavailable or do not agree on the potential impact of this missense change (SIFT: "Tolerated"; PolyPhen-2: "Possibly Damaging"; Align-GVGD: "Class C0"). This variant has not been reported in the literature in individuals affected with PTPN23-related conditions. This variant is present in population databases (rs369616852, gnomAD 0.003%). This sequence change replaces asparagine, which is neutral and polar, with isoleucine, which is neutral and non-polar, at codon 1366 of the PTPN23 protein (p.Asn1366Ile). In summary, the available evidence is currently insufficient to determine the role of this variant in disease. Therefore, it has been classified as a Variant of Uncertain Significance.